The following is an entry in ClinVar:

NM_000256.3(MYBPC3):c.654+1G>T

Gene: MYBPC3 (myosin binding protein C3; minus strand). Cytogenetic location: 11p11.2.
Variant type: single nucleotide variant.
Coding change: c.654+1G>T on transcript NM_000256.3 (MANE Select); the canonical splice donor site of the intron after coding-DNA position 654, G replaced by T.
Molecular consequence: splice donor variant.
Genome position (GRCh38, 1-based): chr11:47,349,773, C>A on the plus strand (G>T on the coding strand, the complement: MYBPC3 is on the minus strand). VCF-style: chr11-47349773-C-A. GRCh37 (hg19) VCF-style: chr11-47371324-C-A.
Identifiers: ClinVar variation 3723266 (VCV003723266.3), dbSNP rs730880621.

ClinVar aggregate classification (germline): Likely pathogenic. Review status: criteria provided, multiple submitters, no conflicts (2 of 4 stars). 2 submissions from 2 submitters: Likely pathogenic (2). Last evaluated 2026-01-01.

Conditions:
MYBPC3-related disorder. Also called: MYBPC3-related disorders; MYBPC3-related condition; MYBPC3-related disease.
Hypertrophic cardiomyopathy. Also called: HYPERTROPHIC MYOCARDIOPATHY. Identifiers: Orphanet 217569, MedGen C0007194, MeSH D002312, MONDO:0005045, HP:0001639.

gnomAD v4.1: 1 of 1,603,826 alleles (0.000062%); highest among the groups gnomAD compares: East Asian, 0.0022%; no homozygotes.

Submissions (2):

Labcorp Genetics (formerly Invitae), Labcorp
Classification: Likely pathogenic for Hypertrophic cardiomyopathy. Last evaluated: 2026-01-01. Review status: criteria provided, single submitter. Criteria: Invitae Variant Classification Sherloc (09022015). Collection method: clinical testing. Allele origin: germline.
Comment: This sequence change affects a donor splice site in intron 5 of the MYBPC3 gene. It is expected to disrupt RNA splicing. Variants that disrupt the donor or acceptor splice site typically lead to a loss of protein function (PMID: 16199547), and loss-of-function variants in MYBPC3 are known to be pathogenic (PMID: 19574547). This variant is present in population databases (rs730880621, gnomAD 0.006%). Disruption of this splice site has been observed in individual(s) with hypertrophic cardiomyopathy (PMID: 29661763; internal data). ClinVar contains an entry for this variant (Variation ID: 3723266). Algorithms developed to predict the effect of sequence changes on RNA splicing suggest that this variant may disrupt the consensus splice site. In summary, the currently available evidence indicates that the variant is pathogenic, but additional data are needed to prove that conclusively. Therefore, this variant has been classified as Likely Pathogenic.

Blueprint Genetics
Classification: Likely pathogenic for MYBPC3-related disorders. Last evaluated: 2021-09-03. Review status: criteria provided, single submitter. Criteria: ACMG Guidelines, 2015. Collection method: clinical testing. Allele origin: germline. Affected: yes. Observed: 1 variant allele.

Literature cited by the submitters: PubMed 16199547 (cited by Labcorp Genetics (formerly Invitae), Labcorp); PubMed 19574547 (cited by Labcorp Genetics (formerly Invitae), Labcorp); PubMed 29661763 (cited by Labcorp Genetics (formerly Invitae), Labcorp).